The following is an entry in ClinVar:

NM_000179.3(MSH6):c.2449G>T (p.Asp817Tyr)

Gene: MSH6 (mutS homolog 6; plus strand). Cytogenetic location: 2p16.3.
Variant type: single nucleotide variant.
Coding change: c.2449G>T on transcript NM_000179.3 (MANE Select); coding-DNA position 2449, G replaced by T.
Protein change: p.Asp817Tyr; replaces aspartic acid 817 with tyrosine.
Molecular consequence: missense variant.
Genome position (GRCh38, 1-based): chr2:47,800,432, G>T. VCF-style: chr2-47800432-G-T. GRCh37 (hg19) VCF-style: chr2-48027571-G-T.
Other names: c.2059G>T, p.Asp687Tyr (NM_001281492.2); c.1543G>T, p.Asp515Tyr (NM_001281493.2, NM_001281494.2, NM_001406811.1 and 6 more transcripts); c.2545G>T, p.Asp849Tyr (NM_001406795.1, NM_001406802.1); c.2449G>T, p.Asp817Tyr (NM_001406796.1, NM_001406798.1, NM_001406800.1 and 2 more transcripts); c.2152G>T, p.Asp718Tyr (NM_001406797.1, NM_001406801.1, NM_001406805.1 and 10 more transcripts); c.1924G>T, p.Asp642Tyr (NM_001406799.1, NM_001406806.1, NM_001406807.1); c.2371G>T, p.Asp791Tyr (NM_001406804.1); c.2455G>T, p.Asp819Tyr (NM_001406813.1); and 1 more; short protein forms D642Y, D817Y, D515Y, D791Y, D819Y, D761Y, D849Y, D687Y.
Identifiers: ClinVar variation 1791445 (VCV001791445.2), dbSNP rs1553413805, ClinGen allele CA346754066.
Genomic context (GRCh38, chr2:47,800,432, plus strand): 5'-GACCTCATGGTTGTGCCTGACAAAATCTCCGAAGTTGTAGAGCTTCTAAAGAAGCTTCCA[G>T]ATCTTGAGAGGCTACTCAGTAAAATTCATAATGTTGGGTCTCCCCTGAAGAGTCAGAACC-3'
Protein context (NP_000170.1, residues 807-827): EVVELLKKLP[Asp817Tyr]LERLLSKIHN

ClinVar aggregate classification (germline): Uncertain significance (1 of 4 stars; one submission).

Conditions:
Hereditary cancer-predisposing syndrome. Also called: Hereditary Cancer Syndrome; Hereditary neoplastic syndrome; Tumor predisposition; Neoplastic Syndromes, Hereditary. Identifiers: Orphanet 140162, MedGen C0027672, MeSH D009386, MONDO:0015356.

Submission:

Ambry Genetics
Classification: Uncertain significance for Hereditary cancer-predisposing syndrome. Last evaluated: 2021-06-25. Review status: criteria provided, single submitter. Criteria: Ambry Variant Classification Scheme 2023. Collection method: clinical testing. Allele origin: germline.
Comment: The p.D817Y variant (also known as c.2449G>T), located in coding exon 4 of the MSH6 gene, results from a G to T substitution at nucleotide position 2449. The aspartic acid at codon 817 is replaced by tyrosine, an amino acid with highly dissimilar properties. This amino acid position is highly conserved in available vertebrate species. In addition, this alteration is predicted to be deleterious by in silico analysis. Since supporting evidence is limited at this time, the clinical significance of this alteration remains unclear.